The following is an entry in ClinVar:

NM_014604.4(TAX1BP3):c.343C>T (p.Gln115Ter)

Genes: P2RX5-TAX1BP3 (P2RX5-TAX1BP3 readthrough (NMD candidate); minus strand), TAX1BP3 (Tax1 binding protein 3; minus strand). Cytogenetic location: 17p13.2.
Variant type: single nucleotide variant.
Coding change: c.343C>T on transcript NM_014604.4 (MANE Select); coding-DNA position 343, C replaced by T.
Protein change: p.Gln115Ter; replaces glutamine 115 with a stop codon.
Molecular consequence: nonsense. On other transcripts: non-coding transcript variant (1).
Genome position (GRCh38, 1-based): chr17:3,663,780, G>A on the plus strand (C>T on the coding strand, the complement: TAX1BP3 is on the minus strand). VCF-style: chr17-3663780-G-A. GRCh37 (hg19) VCF-style: chr17-3567074-G-A.
Other names: c.265C>T, p.Gln89Ter (NM_001204698.2); short protein forms Q115*, Q89*.
Identifiers: ClinVar variation 4810934 (VCV004810934.1).

ClinVar aggregate classification (germline): Uncertain significance (1 of 4 stars; one submission).

Submission:

Labcorp Genetics (formerly Invitae), Labcorp
Classification: Uncertain significance. Last evaluated: 2025-06-11. Review status: criteria provided, single submitter. Criteria: Invitae Variant Classification Sherloc (09022015). Collection method: clinical testing. Allele origin: germline.
Comment: This sequence change creates a premature translational stop signal (p.Gln115*) in the TAX1BP3 gene. While this is not anticipated to result in nonsense mediated decay, it is expected to disrupt the last 10 amino acid(s) of the TAX1BP3 protein. This variant is not present in population databases (gnomAD no frequency). This variant has not been reported in the literature in individuals affected with TAX1BP3-related conditions. Experimental studies and prediction algorithms are not available or were not evaluated, and the functional significance of this variant is currently unknown. In summary, the available evidence is currently insufficient to determine the role of this variant in disease. Therefore, it has been classified as a Variant of Uncertain Significance.